The following is an entry in ClinVar:

NM_000057.4(BLM):c.41A>G (p.Glu14Gly)

Gene: BLM (BLM RecQ like helicase; plus strand). Cytogenetic location: 15q26.1.
Variant type: single nucleotide variant.
Coding change: c.41A>G on transcript NM_000057.4 (MANE Select); coding-DNA position 41, A replaced by G.
Protein change: p.Glu14Gly; replaces glutamic acid 14 with glycine.
Molecular consequence: missense variant. On other transcripts: 5 prime UTR variant (1).
Genome position (GRCh38, 1-based): chr15:90,747,433, A>G. VCF-style: chr15-90747433-A-G. GRCh37 (hg19) VCF-style: chr15-91290663-A-G.
Other names: c.41A>G, p.Glu14Gly (NM_001287246.2, NM_001287247.2); c.-1251A>G (NM_001287248.2); short protein forms E14G.
Identifiers: ClinVar variation 4211880 (VCV004211880.1).
Genomic context (GRCh38, chr15:90,747,433, plus strand): 5'-TTCCCTCACTTTTTAGGATTATGGCTGCTGTTCCTCAAAATAATCTACAGGAGCAACTAG[A>G]ACGTCACTCAGCCAGAACACTTAATAATAAATTAAGTCTTTCAAAACCAAAATTTTCGTA-3'
Protein context (NP_000048.1, residues 4-24): VPQNNLQEQL[Glu14Gly]RHSARTLNNK

ClinVar aggregate classification (germline): Uncertain significance (1 of 4 stars; one submission).

Conditions:
Hereditary cancer-predisposing syndrome. Also called: Neoplastic Syndromes, Hereditary; Tumor predisposition; Hereditary Cancer Syndrome; Hereditary neoplastic syndrome. Identifiers: Orphanet 140162, MedGen C0027672, MeSH D009386, MONDO:0015356.

Submission:

Ambry Genetics
Classification: Uncertain significance for Hereditary cancer-predisposing syndrome. Last evaluated: 2025-07-28. Review status: criteria provided, single submitter. Criteria: Ambry Variant Classification Scheme 2023. Collection method: clinical testing. Allele origin: germline.
Comment: The p.E14G variant (also known as c.41A>G), located in coding exon 1 of the BLM gene, results from an A to G substitution at nucleotide position 41. The glutamic acid at codon 14 is replaced by glycine, an amino acid with similar properties. This amino acid position is conserved. In addition, this alteration is predicted to be tolerated by in silico analysis. Based on the available evidence, the clinical significance of this variant remains unclear.